The following is an entry in ClinVar:

NM_000179.3(MSH6):c.3923_3953dup (p.Arg1318delinsSerProArgGlySerTyrSerLysGlyThrTer)

Gene: MSH6 (mutS homolog 6; plus strand). Cytogenetic location: 2p16.3.
Variant type: Duplication.
Coding change: c.3923_3953dup on transcript NM_000179.3 (MANE Select); coding-DNA positions 3923 to 3953, 31 bases duplicated.
Protein change: p.Arg1318delinsSerProArgGlySerTyrSerLysGlyThrTer.
Molecular consequence: nonsense. On other transcripts: frameshift variant (1), non-coding transcript variant (5), intron variant (1).
Genome position (GRCh38, 1-based): chr2:47,806,573-47,806,603, 31 bases duplicated. GRCh37 (hg19): chr2:48,033,712-48,033,742.
Other names: c.3533_3563dup, p.Arg1188delinsSerProArgGlySerTyrSerLysGlyThrTer (NM_001281492.2); c.3017_3047dup, p.Arg1016delinsSerProArgGlySerTyrSerLysGlyThrTer (NM_001281493.2, NM_001281494.2, NM_001406811.1 and 6 more transcripts); c.4019_4049dup, p.Arg1350delinsSerProArgGlySerTyrSerLysGlyThrTer (NM_001406795.1); c.3923_3953dup, p.Arg1318delinsSerProArgGlySerTyrSerLysGlyThrTer (NM_001406796.1, NM_001406808.1, NM_001406809.1); c.3626_3656dup, p.Arg1219delinsSerProArgGlySerTyrSerLysGlyThrTer (NM_001406797.1, NM_001406801.1, NM_001406805.1 and 10 more transcripts); c.3749_3779dup, p.Arg1260delinsSerProArgGlySerTyrSerLysGlyThrTer (NM_001406798.1); c.3398_3428dup, p.Arg1143delinsSerProArgGlySerTyrSerLysGlyThrTer (NM_001406799.1, NM_001406806.1, NM_001406807.1); c.3910_3940dup, p.Glu1314fs (NM_001406800.1); and 9 more; short protein forms E1314fs.
Identifiers: ClinVar variation 4813024 (VCV004813024.1).

ClinVar aggregate classification (germline): Pathogenic (1 of 4 stars; one submission).

Conditions:
Lynch syndrome 5 (LYNCH5). Also called: Colorectal cancer, hereditary nonpolyposis, type 5; Hereditary non-polyposis colorectal cancer, type 5. Identifiers: Orphanet 144, MedGen C1833477, MONDO:0013710, OMIM 614350. Disease mechanism: loss of function.

Submission:

Myriad Genetics, Inc.
Classification: Pathogenic for Lynch syndrome 5. Last evaluated: 2025-12-17. Review status: criteria provided, single submitter. Criteria: Myriad Autosomal Dominant, Autosomal Recessive and X-Linked Classification Criteria (2023). Collection method: clinical testing. Allele origin: unknown.
Comment: This variant is considered pathogenic. This variant creates a frameshift predicted to result in premature protein truncation.